The following is an entry in ClinVar:

NM_001375.3(DNASE2):c.808A>G (p.Ile270Val)

Gene: DNASE2 (deoxyribonuclease 2, lysosomal; minus strand). Cytogenetic location: 19p13.13.
Variant type: single nucleotide variant.
Coding change: c.808A>G on transcript NM_001375.3 (MANE Select); coding-DNA position 808, A replaced by G.
Protein change: p.Ile270Val; replaces isoleucine 270 with valine.
Molecular consequence: missense variant.
Genome position (GRCh38, 1-based): chr19:12,876,265, T>C on the plus strand (A>G on the coding strand, the complement: DNASE2 is on the minus strand). VCF-style: chr19-12876265-T-C. GRCh37 (hg19) VCF-style: chr19-12987079-T-C.
Other names: short protein forms I270V.
Identifiers: ClinVar variation 2070794 (VCV002070794.5), dbSNP rs933557532, ClinGen allele CA305497464.
Genomic context (GRCh38, chr19:12,876,265, plus strand): 5'-TGAAGCTTGGGCCGGCTGGTCCAGGGAAAGCTATCTGGTTCACATTCAGAACCTGCCAGA[T>C]ATCCGAGCAGTTAGAGGGCAGGATGCCTACAGTTTTGTGCCAGAACTGGACCTGCAGGTT-3'
Protein context (NP_001366.1, residues 260-280): VGILPSNCSD[Ile270Val]WQVLNVNQIA

ClinVar aggregate classification (germline): Conflicting classifications of pathogenicity. Review status: criteria provided, conflicting classifications (1 of 4 stars). 2 submissions from 2 submitters: Uncertain significance (1); Likely benign (1). Last evaluated 2025-02-24.

Submissions (2):

Labcorp Genetics (formerly Invitae), Labcorp
Classification: Uncertain significance. Last evaluated: 2025-02-24. Review status: criteria provided, single submitter. Criteria: Invitae Variant Classification Sherloc (09022015). Collection method: clinical testing. Allele origin: germline.
Comment: This sequence change replaces isoleucine, which is neutral and non-polar, with valine, which is neutral and non-polar, at codon 270 of the DNASE2 protein (p.Ile270Val). This variant is not present in population databases (gnomAD no frequency). This variant has not been reported in the literature in individuals affected with DNASE2-related conditions. ClinVar contains an entry for this variant (Variation ID: 2070794). An algorithm developed to predict the effect of missense changes on protein structure and function outputs the following: PolyPhen-2: "Benign". The valine amino acid residue is found in multiple mammalian species, which suggests that this missense change does not adversely affect protein function. In summary, the available evidence is currently insufficient to determine the role of this variant in disease. Therefore, it has been classified as a Variant of Uncertain Significance.

Blueprint Genetics
Classification: Likely benign. Last evaluated: 2022-01-25. Review status: criteria provided, single submitter. Criteria: ACMG Guidelines, 2015. Collection method: clinical testing. Allele origin: germline.